The following is an entry in ClinVar:

NM_025137.4(SPG11):c.2884C>G (p.Leu962Val)

Gene: SPG11 (SPG11 vesicle trafficking associated, spatacsin; minus strand). Cytogenetic location: 15q21.1.
Variant type: single nucleotide variant.
Coding change: c.2884C>G on transcript NM_025137.4 (MANE Select); coding-DNA position 2884, C replaced by G.
Protein change: p.Leu962Val; replaces leucine 962 with valine.
Molecular consequence: missense variant.
Genome position (GRCh38, 1-based): chr15:44,615,517, G>C on the plus strand (C>G on the coding strand, the complement: SPG11 is on the minus strand). VCF-style: chr15-44615517-G-C. GRCh37 (hg19) VCF-style: chr15-44907715-G-C.
Other names: c.2884C>G, p.Leu962Val (NM_001160227.2, NM_001411132.1); short protein forms L962V.
Identifiers: ClinVar variation 4681067 (VCV004681067.1).

ClinVar aggregate classification (germline): Uncertain significance (1 of 4 stars; one submission).

gnomAD v4.1: 1 of 1,614,078 alleles (0.000062%); highest among the groups gnomAD compares: Admixed American, 0.0017%; no homozygotes.

Submission:

GeneDx
Classification: Uncertain significance. Last evaluated: 2025-07-02. Review status: criteria provided, single submitter. Criteria: GeneDx Variant Classification Process June 2021. Collection method: clinical testing. Allele origin: germline. Affected: yes.
Comment: Not observed at significant frequency in large population cohorts (gnomAD); In silico analysis suggests that this missense variant does not alter protein structure/function; Has not been previously published as pathogenic or benign to our knowledge